The following is an entry in ClinVar:

ClinVar aggregate classification (germline): Uncertain significance. Review status: criteria provided, multiple submitters, no conflicts (2 of 4 stars). 2 submissions from 2 submitters: Uncertain significance (2). Last evaluated 2025-02-22.

Allele frequency attached by ClinVar (database versions not stated): gnomAD exomes 0.00002.
gnomAD v4.1: 9 of 1,614,112 alleles (0.00056%); highest among the groups gnomAD compares: South Asian, 0.0022%; no homozygotes.

Submissions (2):

Ambry Genetics
Classification: Uncertain significance. Last evaluated: 2025-02-22. Review status: criteria provided, single submitter. Criteria: Ambry Variant Classification Scheme 2023. Collection method: clinical testing. Allele origin: germline.

Labcorp Genetics (formerly Invitae), Labcorp
Classification: Uncertain significance. Last evaluated: 2022-11-03. Review status: criteria provided, single submitter. Criteria: Invitae Variant Classification Sherloc (09022015). Collection method: clinical testing. Allele origin: germline.
Comment: Algorithms developed to predict the effect of missense changes on protein structure and function (SIFT, PolyPhen-2, Align-GVGD) all suggest that this variant is likely to be disruptive. This variant has not been reported in the literature in individuals affected with ADGRA3-related conditions. This variant is present in population databases (no rsID available, gnomAD 0.0009%). This sequence change replaces isoleucine, which is neutral and non-polar, with threonine, which is neutral and polar, at codon 938 of the ADGRA3 protein (p.Ile938Thr). In summary, the available evidence is currently insufficient to determine the role of this variant in disease. Therefore, it has been classified as a Variant of Uncertain Significance.

NM_145290.4(ADGRA3):c.2813T>C (p.Ile938Thr)

Gene: ADGRA3 (adhesion G protein-coupled receptor A3; minus strand). Cytogenetic location: 4p15.2.
Variant type: single nucleotide variant.
Coding change: c.2813T>C on transcript NM_145290.4 (MANE Select); coding-DNA position 2813, T replaced by C.
Protein change: p.Ile938Thr; replaces isoleucine 938 with threonine.
Molecular consequence: missense variant.
Genome position (GRCh38, 1-based): chr4:22,388,858, A>G on the plus strand (T>C on the coding strand, the complement: ADGRA3 is on the minus strand). VCF-style: chr4-22388858-A-G. GRCh37 (hg19) VCF-style: chr4-22390481-A-G.
Other names: c.2813T>C (NM_145290.2); short protein forms I938T.
Identifiers: ClinVar variation 2871270 (VCV002871270.4), dbSNP rs1262223662, ClinGen allele CA356474798.